The following is an entry in ClinVar:

NM_000052.7(ATP7A):c.4270A>G (p.Ser1424Gly)

Gene: ATP7A (ATPase copper transporting alpha; plus strand). Cytogenetic location: Xq21.1.
Variant type: single nucleotide variant.
Coding change: c.4270A>G on transcript NM_000052.7 (MANE Select); coding-DNA position 4270, A replaced by G.
Protein change: p.Ser1424Gly; replaces serine 1424 with glycine.
Molecular consequence: missense variant. On other transcripts: non-coding transcript variant (1).
Genome position (GRCh38, 1-based): chrX:78,046,337, A>G. VCF-style: chrX-78046337-A-G. GRCh37 (hg19) VCF-style: chrX-77301834-A-G.
Other names: c.4036A>G, p.Ser1346Gly (NM_001282224.2); short protein forms S1424G, S1346G.
Identifiers: ClinVar variation 1430191 (VCV001430191.8), dbSNP rs2149113979, ClinGen allele CA413606051.
Genomic context (GRCh38, chrX:78,046,337, plus strand): 5'-CTTTTGCATATGTCCAGTTACAGGAAACCAACTTACGAGAGTTATGAACTGCCTGCCCGG[A>G]GCCAGATAGGACAGAAGAGTCCTTCAGAAATCAGCGTTCATGTTGGAATAGATGATACCT-3'
Protein context (NP_000043.4, residues 1414-1434): TYESYELPAR[Ser1424Gly]QIGQKSPSEI

ClinVar aggregate classification (germline): Uncertain significance (1 of 4 stars; one submission).

Conditions:
X-linked distal spinal muscular atrophy type 3. Also called: ATP7A-Related Distal Motor Neuropathy; NEURONOPATHY, DISTAL HEREDITARY MOTOR, X-LINKED; NEUROPATHY, DISTAL HEREDITARY MOTOR, X-LINKED; SPINAL MUSCULAR ATROPHY, DISTAL, X-LINKED RECESSIVE. Identifiers: Orphanet 139557, MedGen C1845359, MONDO:0010338, OMIM 300489.
Menkes kinky-hair syndrome (MNK). Also called: Classic Menkes Disease; Copper transport disease; Menkes Disease. Identifiers: Orphanet 565, MedGen C0022716, MONDO:0010651, OMIM 309400.
Cutis laxa, X-linked (OHS). Also called: EDS IX; Occipital horn syndrome. Identifiers: Orphanet 198, MedGen C0268353, MONDO:0010572, OMIM 304150.

Submission:

Labcorp Genetics (formerly Invitae), Labcorp
Classification: Uncertain significance for X-linked distal spinal muscular atrophy type 3; Cutis laxa, X-linked; Menkes kinky-hair syndrome. Last evaluated: 2023-12-11. Review status: criteria provided, single submitter. Criteria: Invitae Variant Classification Sherloc (09022015). Collection method: clinical testing. Allele origin: germline.
Comment: This sequence change replaces serine, which is neutral and polar, with glycine, which is neutral and non-polar, at codon 1424 of the ATP7A protein (p.Ser1424Gly). This variant is not present in population databases (gnomAD no frequency). This variant has not been reported in the literature in individuals affected with ATP7A-related conditions. ClinVar contains an entry for this variant (Variation ID: 1430191). Advanced modeling of protein sequence and biophysical properties (such as structural, functional, and spatial information, amino acid conservation, physicochemical variation, residue mobility, and thermodynamic stability) performed at Invitae indicates that this missense variant is not expected to disrupt ATP7A protein function with a negative predictive value of 95%. In summary, the available evidence is currently insufficient to determine the role of this variant in disease. Therefore, it has been classified as a Variant of Uncertain Significance.